The following is an entry in ClinVar:

ClinVar aggregate classification (germline): Uncertain significance (1 of 4 stars; one submission).

Submission:

Women's Health and Genetics/Laboratory Corporation of America, LabCorp
Classification: Uncertain significance. Last evaluated: 2024-09-30. Review status: criteria provided, single submitter. Criteria: LabCorp Variant Classification Summary - May 2015. Collection method: clinical testing. Allele origin: germline.
Comment: Variant summary: The variant involves the duplication of exons 1-18 in the FGFR2 gene. A presumed nomenclature of c.(?_-634)_(*1526_?)dup has been designated for the purposes of this classification. This duplication includes the entire coding sequence of the gene. As exact breakpoints are unknown, it may extend beyond the annotated region of the gene, to include other flanking genes. The variant was absent in 120780 control chromosomes in the gnomAD database (Structural Variants v4.1 dataset). The available data on variant occurrences in the general population are insufficient to allow any conclusion about variant significance. To our knowledge, no occurrence of c.(?_-634)_(*1526_?)dup in individuals affected with FGFR2-Related Disorders and no experimental evidence demonstrating its impact on protein function have been reported. No submitters have cited clinical-significance assessments for this variant to ClinVar. Based on the evidence outlined above, the variant was classified as uncertain significance.

NC_000010.10:g.(?_123237845)_(123357959_?)dup

Gene: FGFR2 (fibroblast growth factor receptor 2; minus strand). Cytogenetic location: 10q26.13.
Variant type: Duplication.
Identifiers: ClinVar variation 3375379 (VCV003375379.1).